The following is an entry in ClinVar:

NM_207122.2(EXT2):c.446G>A (p.Arg149Gln)

Gene: EXT2 (exostosin glycosyltransferase 2; plus strand). Cytogenetic location: 11p11.2.
Variant type: single nucleotide variant.
Coding change: c.446G>A on transcript NM_207122.2 (MANE Select); coding-DNA position 446, G replaced by A.
Protein change: p.Arg149Gln; replaces arginine 149 with glutamine.
Molecular consequence: missense variant.
Genome position (GRCh38, 1-based): chr11:44,108,158, G>A. VCF-style: chr11-44108158-G-A. GRCh37 (hg19) VCF-style: chr11-44129708-G-A.
Other names: c.545G>A, p.Arg182Gln (NM_000401.3); c.446G>A, p.Arg149Gln (NM_001178083.3, NM_001389628.1, NM_001389630.1); short protein forms R149Q, R182Q.
Identifiers: ClinVar variation 2191898 (VCV002191898.5), dbSNP rs779001336, ClinGen allele CA5954890.

ClinVar aggregate classification (germline): Uncertain significance. Review status: criteria provided, multiple submitters, no conflicts (2 of 4 stars). 2 submissions from 2 submitters: Uncertain significance (2). Last evaluated 2024-04-03.

Conditions:
Exostoses, multiple, type 2 (EXT2). Also called: Hereditary Multiple Osteochondromatosis, Type II; EXOSTOSES, MULTIPLE, TYPE II. Identifiers: Orphanet 321, MedGen C1851413, MONDO:0007586, OMIM 133701.

Allele frequency attached by ClinVar (database versions not stated): gnomAD exomes below 0.00001; TOPMed below 0.00001; gnomAD 0.00001; ExAC 0.00002.

Submissions (2):

Labcorp Genetics (formerly Invitae), Labcorp
Classification: Uncertain significance for Exostoses, multiple, type 2. Last evaluated: 2024-04-03. Review status: criteria provided, single submitter. Criteria: Invitae Variant Classification Sherloc (09022015). Collection method: clinical testing. Allele origin: germline.
Comment: This sequence change replaces arginine, which is basic and polar, with glutamine, which is neutral and polar, at codon 149 of the EXT2 protein (p.Arg149Gln). This variant is present in population databases (rs779001336, gnomAD 0.006%). This variant has not been reported in the literature in individuals affected with EXT2-related conditions. ClinVar contains an entry for this variant (Variation ID: 2191898). Advanced modeling of protein sequence and biophysical properties (such as structural, functional, and spatial information, amino acid conservation, physicochemical variation, residue mobility, and thermodynamic stability) performed at Invitae indicates that this missense variant is not expected to disrupt EXT2 protein function with a negative predictive value of 80%. In summary, the available evidence is currently insufficient to determine the role of this variant in disease. Therefore, it has been classified as a Variant of Uncertain Significance.

Baylor Genetics
Classification: Uncertain significance for Exostoses, multiple, type 2. Last evaluated: 2023-10-03. Review status: criteria provided, single submitter. Criteria: ACMG Guidelines, 2015. Collection method: clinical testing. Allele origin: unknown.